The following is an entry in ClinVar:

NM_006231.4(POLE):c.2803G>A (p.Gly935Arg)

Gene: POLE (DNA polymerase epsilon, catalytic subunit; minus strand). Cytogenetic location: 12q24.33.
Variant type: single nucleotide variant.
Coding change: c.2803G>A on transcript NM_006231.4 (MANE Select); coding-DNA position 2803, G replaced by A.
Protein change: p.Gly935Arg; replaces glycine 935 with arginine.
Molecular consequence: missense variant.
Genome position (GRCh38, 1-based): chr12:132,661,588, C>T on the plus strand (G>A on the coding strand, the complement: POLE is on the minus strand). VCF-style: chr12-132661588-C-T. GRCh37 (hg19) VCF-style: chr12-133238174-C-T.
Other names: short protein forms G935R.
Identifiers: ClinVar variation 3781551 (VCV003781551.1).

ClinVar aggregate classification (germline): Uncertain significance (1 of 4 stars; one submission).

Conditions:
Hereditary cancer-predisposing syndrome. Also called: Neoplastic Syndromes, Hereditary; Hereditary Cancer Syndrome; Tumor predisposition; Hereditary neoplastic syndrome. Identifiers: Orphanet 140162, MedGen C0027672, MeSH D009386, MONDO:0015356.

Submission:

Ambry Genetics
Classification: Uncertain significance for Hereditary cancer-predisposing syndrome. Last evaluated: 2025-01-06. Review status: criteria provided, single submitter. Criteria: Ambry Variant Classification Scheme 2023. Collection method: clinical testing. Allele origin: germline.
Comment: The p.G935R variant (also known as c.2803G>A), located in coding exon 24 of the POLE gene, results from a G to A substitution at nucleotide position 2803. The glycine at codon 935 is replaced by arginine, an amino acid with dissimilar properties. This amino acid position is conserved. In addition, this alteration is predicted to be deleterious by in silico analysis. Based on the available evidence, the clinical significance of this variant remains unclear.